The following is an entry in ClinVar:

NM_000548.5(TSC2):c.4204G>A (p.Gly1402Arg)

Gene: TSC2 (TSC complex subunit 2; plus strand). Cytogenetic location: 16p13.3.
Variant type: single nucleotide variant.
Coding change: c.4204G>A on transcript NM_000548.5 (MANE Select); coding-DNA position 4204, G replaced by A.
Protein change: p.Gly1402Arg; replaces glycine 1402 with arginine.
Molecular consequence: missense variant.
Genome position (GRCh38, 1-based): chr16:2,084,426, G>A. VCF-style: chr16-2084426-G-A. GRCh37 (hg19) VCF-style: chr16-2134427-G-A.
Other names: c.4003G>A, p.Gly1335Arg (NM_001077183.3); c.4135G>A, p.Gly1379Arg (NM_001114382.3); c.3895G>A, p.Gly1299Arg (NM_001318827.2); c.3859G>A, p.Gly1287Arg (NM_001318829.2); c.3472G>A, p.Gly1158Arg (NM_001318831.2); c.4036G>A, p.Gly1346Arg (NM_001318832.2); c.4006G>A, p.Gly1336Arg (NM_001363528.2); c.4072G>A, p.Gly1358Arg (NM_001370404.1); and 1 more; short protein forms G1287R, G1335R, G1336R, G1346R, G1402R, G1359R, G1158R, G1299R.
Identifiers: ClinVar variation 1507356 (VCV001507356.6), dbSNP rs2151527362, ClinGen allele CA394299888.

ClinVar aggregate classification (germline): Uncertain significance (1 of 4 stars; one submission).

Conditions:
Tuberous sclerosis 2 (TSC2). Identifiers: Orphanet 805, MedGen C1860707, MONDO:0013199, OMIM 613254.

Submission:

Labcorp Genetics (formerly Invitae), Labcorp
Classification: Uncertain significance for Tuberous sclerosis 2. Last evaluated: 2022-02-24. Review status: criteria provided, single submitter. Criteria: Invitae Variant Classification Sherloc (09022015). Collection method: clinical testing. Allele origin: germline.
Comment: Algorithms developed to predict the effect of sequence changes on RNA splicing suggest that this variant may create or strengthen a splice site. In summary, the available evidence is currently insufficient to determine the role of this variant in disease. Therefore, it has been classified as a Variant of Uncertain Significance. Advanced modeling of protein sequence and biophysical properties (such as structural, functional, and spatial information, amino acid conservation, physicochemical variation, residue mobility, and thermodynamic stability) performed at Invitae indicates that this missense variant is not expected to disrupt TSC2 protein function. This variant has not been reported in the literature in individuals affected with TSC2-related conditions. This variant is not present in population databases (gnomAD no frequency). This sequence change replaces glycine, which is neutral and non-polar, with arginine, which is basic and polar, at codon 1402 of the TSC2 protein (p.Gly1402Arg).